The following is an entry in ClinVar:

ClinVar aggregate classification (germline): Benign. Review status: criteria provided, multiple submitters, no conflicts (2 of 4 stars). 7 submissions from 7 submitters: Benign (7). Last evaluated 2026-02-03.

Conditions:
Imerslund-Grasbeck syndrome type 1 (IGS1). Also called: Megaloblastic anemia 1, Finnish type; MEGALOBLASTIC ANEMIA, 1; Imerslund-Gräsbeck syndrome 1. Identifiers: MedGen C4016819, MONDO:0100156, OMIM 261100.
Imerslund-Grasbeck syndrome. Also called: ENTEROCYTE COBALAMIN MALABSORPTION; ENTEROCYTE INTRINSIC FACTOR RECEPTOR, DEFECT OF; Imerslund-Gräsbeck syndrome; PERNICIOUS ANEMIA, JUVENILE, DUE TO SELECTIVE INTESTINAL MALABSORPTION OF VITAMIN B12, WITH PROTEINURIA; Megaloblastic anemia due to inborn errors of metabolism. Identifiers: Orphanet 35858, MedGen C4551825, MONDO:0009853.

Allele frequency attached by ClinVar (database versions not stated): ExAC 0.20030; 1000 Genomes Project 30x 0.22767; 1000 Genomes Project 0.23043; ESP Exome Variant Server 0.17008; gnomAD 0.19092 and 0.19341; TOPMed 0.19261; gnomAD exomes 0.19735.

Submissions (9):

Labcorp Genetics (formerly Invitae), Labcorp
Classification: Benign for Imerslund-Grasbeck syndrome. Last evaluated: 2026-02-03. Review status: criteria provided, single submitter. Criteria: Invitae Variant Classification Sherloc (09022015). Collection method: clinical testing. Allele origin: germline.

Blueprint Genetics
Classification: Benign. Last evaluated: 2024-11-27. Review status: criteria provided, single submitter. Criteria: ACMG Guidelines, 2015. Collection method: clinical testing. Allele origin: germline.

Mayo Clinic Laboratories, Mayo Clinic
Classification: Benign. Last evaluated: 2022-03-09. Review status: criteria provided, single submitter. Criteria: ACMG Guidelines, 2015. Collection method: clinical testing. Allele origin: germline. Observed: 87 variant alleles.

Genome-Nilou Lab
Classification: Benign for Imerslund-Grasbeck syndrome type 1. Last evaluated: 2021-07-30. Review status: criteria provided, single submitter. Criteria: ACMG Guidelines, 2015. Collection method: clinical testing. Allele origin: germline. Affected: no.

GeneDx
Classification: Benign. Last evaluated: 2018-10-01. Review status: criteria provided, single submitter. Criteria: GeneDx Variant Classification Process June 2021. Collection method: clinical testing. Allele origin: germline. Affected: yes.

Illumina Laboratory Services, Illumina
Classification: Benign for Imerslund-Grasbeck syndrome type 1. Last evaluated: 2018-01-13. Review status: criteria provided, single submitter. Criteria: ICSL Variant Classification Criteria 13 December 2019. Collection method: clinical testing. Allele origin: germline.
Comment: This variant was observed in the ICSL laboratory as part of a predisposition screen in an ostensibly healthy population. It had not been previously curated by ICSL or reported in the Human Gene Mutation Database (HGMD: prior to June 1st, 2018), and was therefore a candidate for classification through an automated scoring system. Utilizing variant allele frequency, disease prevalence and penetrance estimates, and inheritance mode, an automated score was calculated to assess if this variant is too frequent to cause the disease. Based on the score and internal cut-off values, a variant classified as benign is not then subjected to further curation. The score for this variant resulted in a classification of benign for this disease.

Breakthrough Genomics
Classification: Benign. Review status: criteria provided, single submitter. Criteria: ACMG Guidelines, 2015. Collection method: not provided. Allele origin: germline. Inheritance: Autosomal recessive inheritance. Affected: yes.

Dr. Peter K. Rogan Lab, Western University
No classification provided (evidence only). Condition: Uveal melanoma. Review status: no classification provided. Collection method: in vitro. Allele origin: not applicable. Functional consequence: retained intron. Not counted in ClinVar's aggregate classification.

Dr. Peter K. Rogan Lab, Western University
No classification provided (evidence only). Condition: Uveal melanoma. Review status: no classification provided. Collection method: in vitro. Allele origin: not applicable. Functional consequence: retained intron. Not counted in ClinVar's aggregate classification.

NM_001081.4(CUBN):c.5343-8C>A

Gene: CUBN (cubilin; minus strand). Cytogenetic location: 10p13.
Variant type: single nucleotide variant.
Coding change: c.5343-8C>A on transcript NM_001081.4 (MANE Select); 8 bases into the intron before coding-DNA position 5343, C replaced by A.
Molecular consequence: intron variant.
Genome position (GRCh38, 1-based): chr10:16,940,245, G>T on the plus strand (C>A on the coding strand, the complement: CUBN is on the minus strand). VCF-style: chr10-16940245-G-T. GRCh37 (hg19) VCF-style: chr10-16982244-G-T.
Other names: p.?.
Identifiers: ClinVar variation 299462 (VCV000299462.21), dbSNP rs2271463, ClinGen allele CA5424027.